The following is an entry in ClinVar:

ClinVar aggregate classification (germline): Uncertain significance (1 of 4 stars; one submission).

Conditions:
Early-infantile DEE. Also called: Ohtahara syndrome; Early infantile epileptic encephalopathy with suppression bursts; Early infantile epileptic encephalopathy. Identifiers: Orphanet 1934, MedGen C0393706, MONDO:0800491.

Allele frequency attached by ClinVar (database versions not stated): gnomAD exomes below 0.00001 and 0.00001; TOPMed below 0.00001; ExAC 0.00001; gnomAD 0.00001.
gnomAD v4.1: 3 of 1,612,672 alleles (0.00019%); highest among the groups gnomAD compares: Admixed American, 0.005%; no homozygotes.

Submission:

Labcorp Genetics (formerly Invitae), Labcorp
Classification: Uncertain significance for Early-infantile DEE. Last evaluated: 2019-05-08. Review status: criteria provided, single submitter. Criteria: Invitae Variant Classification Sherloc (09022015). Collection method: clinical testing. Allele origin: germline.
Comment: In summary, the available evidence is currently insufficient to determine the role of this variant in disease. Therefore, it has been classified as a Variant of Uncertain Significance. Algorithms developed to predict the effect of missense changes on protein structure and function (SIFT, PolyPhen-2, Align-GVGD) all suggest that this variant is likely to be disruptive, but these predictions have not been confirmed by published functional studies and their clinical significance is uncertain. This variant has not been reported in the literature in individuals with ARHGEF15-related conditions. This variant is present in population databases (rs766320878, ExAC 0.009%). This sequence change replaces glycine with glutamic acid at codon 502 of the ARHGEF15 protein (p.Gly502Glu). The glycine residue is highly conserved and there is a moderate physicochemical difference between glycine and glutamic acid.

NM_173728.4(ARHGEF15):c.1505G>A (p.Gly502Glu)

Gene: ARHGEF15 (Rho guanine nucleotide exchange factor 15; plus strand). Cytogenetic location: 17p13.1.
Variant type: single nucleotide variant.
Coding change: c.1505G>A on transcript NM_173728.4 (MANE Select); coding-DNA position 1505, G replaced by A.
Protein change: p.Gly502Glu; replaces glycine 502 with glutamic acid.
Molecular consequence: missense variant.
Genome position (GRCh38, 1-based): chr17:8,315,838, G>A. VCF-style: chr17-8315838-G-A. GRCh37 (hg19) VCF-style: chr17-8219156-G-A.
Other names: c.1505G>A, p.Gly502Glu (NM_025014.2); short protein forms G502E.
Identifiers: ClinVar variation 853747 (VCV000853747.10), dbSNP rs766320878, ClinGen allele CA8375196.